The following is an entry in ClinVar:

NM_001447.3(FAT2):c.7679G>A (p.Arg2560Gln)

Genes: FAT2 (FAT atypical cadherin 2; minus strand), SLC36A1 (solute carrier family 36 member 1; plus strand). Cytogenetic location: 5q33.1.
Variant type: single nucleotide variant.
Coding change: c.7679G>A on transcript NM_001447.3 (MANE Select); coding-DNA position 7679, G replaced by A.
Protein change: p.Arg2560Gln; replaces arginine 2560 with glutamine.
Molecular consequence: missense variant.
Genome position (GRCh38, 1-based): chr5:151,543,448, C>T on the plus strand (G>A on the coding strand, the complement: FAT2 is on the minus strand). VCF-style: chr5-151543448-C-T. GRCh37 (hg19) VCF-style: chr5-150923009-C-T.
Other names: short protein forms R2560Q.
Identifiers: ClinVar variation 3513244 (VCV003513244.2).
Genomic context (GRCh38, chr5:151,543,448, plus strand): 5'-TCATTTTCATCTGTGAGGATGATCTTCACCGTGCAGAAGGCTACTCTTCCTCCTCCATCC[C>T]GAGCCATGACCTTAATAGCAATGACTCTCTCTGTTGAATTTTCCCGATCCAGTTTCTGCA-3'
Protein context (NP_001438.1, residues 2550-2570): ERVIAIKVMA[Arg2560Gln]DGGGRVAFCT

ClinVar aggregate classification (germline): Conflicting classifications of pathogenicity. Review status: criteria provided, conflicting classifications (1 of 4 stars). 2 submissions from 2 submitters: Uncertain significance (1); Likely benign (1). Last evaluated 2026-02-24.

gnomAD v4.1: 140 of 1,614,008 alleles (0.0087%); highest among the groups gnomAD compares: Non-Finnish European, 0.011%; no homozygotes.

Submissions (2):

Women's Health and Genetics/Laboratory Corporation of America, LabCorp
Classification: Uncertain significance. Last evaluated: 2026-02-24. Review status: criteria provided, single submitter. Criteria: LabCorp Variant Classification Summary - May 2015. Collection method: clinical testing. Allele origin: germline.
Comment: Variant summary: FAT2 c.7679G>A (p.Arg2560Gln) results in a conservative amino acid change in the encoded protein sequence. Algorithms developed to predict the effect of missense changes on protein structure and function all suggest that this variant is likely to be tolerated. The variant allele was found at a frequency of 3.6e-05 in 251338 control chromosomes. The available data on variant occurrences in the general population are insufficient to allow any conclusion about variant significance. To our knowledge, no occurrence of c.7679G>A in individuals affected with FAT2-related conditions and no experimental evidence demonstrating its impact on protein function have been reported. ClinVar contains an entry for this variant (Variation ID: 3513244). Based on the evidence outlined above, the variant was classified as uncertain significance.

Ambry Genetics
Classification: Likely benign. Last evaluated: 2024-07-09. Review status: criteria provided, single submitter. Criteria: Ambry Variant Classification Scheme 2023. Collection method: clinical testing. Allele origin: germline.